The following is an entry in ClinVar:

NM_001042492.3(NF1):c.5746G>T (p.Ala1916Ser)

Gene: NF1 (neurofibromin 1; plus strand). Cytogenetic location: 17q11.2.
Variant type: single nucleotide variant.
Coding change: c.5746G>T on transcript NM_001042492.3 (MANE Select); coding-DNA position 5746, G replaced by T.
Protein change: p.Ala1916Ser; replaces alanine 1916 with serine.
Molecular consequence: missense variant.
Genome position (GRCh38, 1-based): chr17:31,330,432, G>T. VCF-style: chr17-31330432-G-T. GRCh37 (hg19) VCF-style: chr17-29657450-G-T.
Other names: c.5683G>T, p.Ala1895Ser (NM_000267.4); short protein forms A1916S, A1895S.
Identifiers: ClinVar variation 849721 (VCV000849721.6), dbSNP rs62070718, ClinGen allele CA399010383.

ClinVar aggregate classification (germline): Uncertain significance (1 of 4 stars; one submission).

Conditions:
Neurofibromatosis, type 1 (NF1). Also called: Neurofibromatosis, type I; VON RECKLINGHAUSEN DISEASE; Peripheral type neurofibromatosis; NEUROFIBROMATOSIS, TYPE I, SOMATIC. Identifiers: Orphanet 636, MedGen C0027831, MONDO:0018975, OMIM 162200. Disease mechanism: loss of function.

Submission:

Labcorp Genetics (formerly Invitae), Labcorp
Classification: Uncertain significance for Neurofibromatosis, type 1. Last evaluated: 2021-02-02. Review status: criteria provided, single submitter. Criteria: Invitae Variant Classification Sherloc (09022015). Collection method: clinical testing. Allele origin: germline.
Comment: This variant is not present in population databases (ExAC no frequency). This sequence change replaces alanine with serine at codon 1895 of the NF1 protein (p.Ala1895Ser). The alanine residue is moderately conserved and there is a moderate physicochemical difference between alanine and serine. This variant has not been reported in the literature in individuals with NF1-related conditions. In summary, the available evidence is currently insufficient to determine the role of this variant in disease. Therefore, it has been classified as a Variant of Uncertain Significance. Algorithms developed to predict the effect of missense changes on protein structure and function are either unavailable or do not agree on the potential impact of this missense change (SIFT: "Tolerated"; PolyPhen-2: "Probably Damaging"; Align-GVGD: "Class C0").